The following is an entry in ClinVar:

ClinVar aggregate classification (germline): Pathogenic (1 of 4 stars; one submission).

Conditions:
Charcot-Marie-Tooth disease, type I (CMT1). Also called: Charcot-Marie-Tooth disease type 1; Charcot-Marie-Tooth, Type 1. Identifiers: Orphanet 65753, MedGen C0751036, MONDO:0019011.

Submission:

Labcorp Genetics (formerly Invitae), Labcorp
Classification: Pathogenic for Charcot-Marie-Tooth disease, type I. Last evaluated: 2017-01-26. Review status: criteria provided, single submitter. Criteria: Invitae Variant Classification Sherloc (09022015). Collection method: clinical testing. Allele origin: germline.
Comment: This variant is a gross duplication of the genomic region encompassing exons 2-5 of the PMP22 gene. This assay only includes exons 2-5 of PMP22, which covers the entire coding sequence. Therefore, it is assumed that the entire gene is duplicated. Duplications of the region on chromosome 17p11.2 which contain the PMP22 gene cause Charcot-Marie-Tooth type 1A (CMT1A) (PMID: 1677316, 1822787) and have been shown to lead to increased gene dosage as the functional defect in individuals with CMT1A (PMID: 1303230). For these reasons, this variant has been classified as Pathogenic.

NM_000304.3(PMP22):c.-34-?_*1140dup1657

Genes: MIR4731 (microRNA 4731; minus strand), PMP22 (peripheral myelin protein 22; minus strand). Cytogenetic location: 17p12.
Variant type: Duplication.
Coding change: c.-34-?_*1140dup1657 on transcript NM_000304.3.
Identifiers: ClinVar variation 237630 (VCV000237630.1).